The following is an entry in ClinVar:

ClinVar aggregate classification (germline): Uncertain significance. Review status: criteria provided, multiple submitters, no conflicts (2 of 4 stars). 2 submissions from 2 submitters: Uncertain significance (2). Last evaluated 2023-08-15.

Conditions:
Malignant hyperthermia, susceptibility to, 1 (MHS1). Also called: Malignant hyperthermia suceptibility 1; RYR1-Related Malignant Hyperthermia Susceptibility; Anesthesia related hyperthermia; Malignant hyperpyrexia; Fulminating hyperpyrexia; Pharmacogenic myopathy. Identifiers: Orphanet 423, MedGen C2930980, MONDO:0007783, OMIM 145600.

Allele frequency attached by ClinVar (database versions not stated): gnomAD exomes below 0.00001; TOPMed 0.00001.
gnomAD v4.1: 1 of 1,614,100 alleles (0.000062%); highest among the groups gnomAD compares: Non-Finnish European, 0.000085%; no homozygotes.

Submissions (2):

All of Us Research Program, National Institutes of Health
Classification: Uncertain significance for Malignant hyperthermia, susceptibility to, 1. Last evaluated: 2023-08-15. Review status: criteria provided, single submitter. Criteria: ACMG Guidelines, 2015. Collection method: clinical testing. Allele origin: germline. Inheritance: Autosomal dominant inheritance. Observed: 1 variant allele, 1 heterozygote.
Comment: This study involves interpretation of variants in research participants for the purpose of population health screening. Participant phenotype was not available at the time of variant classification. Additional details can be found in publication PMID: 35346344, PMCID: PMC8962531

Biesecker Lab/Clinical Genomics Section, National Institutes of Health
Classification: Uncertain significance for Malignant hyperthermia, susceptibility to, 1. Last evaluated: 2013-07-01. Review status: criteria provided, single submitter. Criteria: Gonsalves et al. 2013. Collection method: research. Allele origin: unknown. Observed: 1 variant allele. Study: ClinSeq.
Comment: The study set was not selected for affection status in relation to any myopathy. Pathogenicity categories were based on literature curation. See Pubmed ID: 24195946 for details.

NM_000540.3(RYR1):c.8155T>C (p.Tyr2719His)

Gene: RYR1 (ryanodine receptor 1; plus strand). Cytogenetic location: 19q13.2.
Variant type: single nucleotide variant.
Coding change: c.8155T>C on transcript NM_000540.3 (MANE Select); coding-DNA position 8155, T replaced by C.
Protein change: p.Tyr2719His; replaces tyrosine 2719 with histidine.
Molecular consequence: missense variant.
Genome position (GRCh38, 1-based): chr19:38,504,835, T>C. VCF-style: chr19-38504835-T-C. GRCh37 (hg19) VCF-style: chr19-38995475-T-C.
Other names: c.8155T>C, p.Tyr2719His (NM_001042723.2); short protein forms Y2719H.
Identifiers: ClinVar variation 224393 (VCV000224393.2), dbSNP rs200920798, ClinGen allele CA211986.